The following is an entry in ClinVar:

NM_013275.6(ANKRD11):c.6760G>A (p.Gly2254Arg)

Gene: ANKRD11 (ankyrin repeat domain 11; minus strand). Cytogenetic location: 16q24.3.
Variant type: single nucleotide variant.
Coding change: c.6760G>A on transcript NM_013275.6 (MANE Select); coding-DNA position 6760, G replaced by A.
Protein change: p.Gly2254Arg; replaces glycine 2254 with arginine.
Molecular consequence: missense variant.
Genome position (GRCh38, 1-based): chr16:89,279,782, C>T on the plus strand (G>A on the coding strand, the complement: ANKRD11 is on the minus strand). VCF-style: chr16-89279782-C-T. GRCh37 (hg19) VCF-style: chr16-89346190-C-T.
Other names: c.6760G>A, p.Gly2254Arg (NM_001256182.2, NM_001256183.2); short protein forms G2254R.
Identifiers: ClinVar variation 718635 (VCV000718635.11), dbSNP rs1003478010, ClinGen allele CA286509813.

ClinVar aggregate classification (germline): Conflicting classifications of pathogenicity. Review status: criteria provided, conflicting classifications (1 of 4 stars). 3 submissions from 3 submitters: Uncertain significance (1); Benign (1); Likely benign (1). Last evaluated 2025-06-22.

Conditions:
KBG syndrome (KBGS). Also called: ANKRD11-Related KBG Syndrome. Identifiers: Orphanet 2332, MedGen C0220687, MONDO:0007846, OMIM 148050.
Inborn genetic diseases. Identifiers: MedGen C0950123, MeSH D030342.
ANKRD11-related disorder. Also called: ANKRD11-related condition.

Allele frequency attached by ClinVar (database versions not stated): gnomAD exomes 0.00002; TOPMed 0.00003; gnomAD 0.00005.
gnomAD v4.1: 33 of 1,533,320 alleles (0.0022%); highest among the groups gnomAD compares: Middle Eastern, 0.039%; no homozygotes.

Submissions (3):

Labcorp Genetics (formerly Invitae), Labcorp
Classification: Benign for KBG syndrome. Last evaluated: 2025-06-22. Review status: criteria provided, single submitter. Criteria: Invitae Variant Classification Sherloc (09022015). Collection method: clinical testing. Allele origin: germline.

PreventionGenetics, part of Exact Sciences
Classification: Likely benign for ANKRD11-related condition. Last evaluated: 2025-05-09. Review status: criteria provided, single submitter. Criteria: ACMG Guidelines, 2015. Collection method: clinical testing. Allele origin: germline.
Comment: This variant is classified as likely benign based on ACMG/AMP sequence variant interpretation guidelines (Richards et al. 2015 PMID: 25741868, with internal and published modifications).

Ambry Genetics
Classification: Uncertain significance for Inborn genetic diseases. Last evaluated: 2018-06-22. Review status: criteria provided, single submitter. Criteria: Ambry Variant Classification Scheme 2023. Collection method: clinical testing. Allele origin: germline.
Comment: The p.G2254R variant (also known as c.6760G>A), located in coding exon 7 of the ANKRD11 gene, results from a G to A substitution at nucleotide position 6760. The glycine at codon 2254 is replaced by arginine, an amino acid with dissimilar properties. This amino acid position is poorly conserved in available vertebrate species. In addition, this alteration is predicted to be tolerated by in silico analysis. Since supporting evidence is limited at this time, the clinical significance of this alteration remains unclear.